The following is an entry in ClinVar:

NM_000135.4(FANCA):c.1068C>G (p.Thr356=)

Gene: FANCA (FA complementation group A; minus strand). Cytogenetic location: 16q24.3.
Variant type: single nucleotide variant.
Coding change: c.1068C>G on transcript NM_000135.4 (MANE Select); coding-DNA position 1068, C replaced by G.
Protein change: p.Thr356=; no amino-acid change (threonine 356 retained).
Molecular consequence: synonymous variant.
Genome position (GRCh38, 1-based): chr16:89,792,486, G>C on the plus strand (C>G on the coding strand, the complement: FANCA is on the minus strand). VCF-style: chr16-89792486-G-C. GRCh37 (hg19) VCF-style: chr16-89858894-G-C.
Other names: c.1068C>G, p.Thr356= (NM_001286167.3).
Identifiers: ClinVar variation 740292 (VCV000740292.13), dbSNP rs1161525939, ClinGen allele CA497193308.
Genomic context (GRCh38, chr16:89,792,486, plus strand): 5'-CCCCGCCACGAGCTCAGAAGCAGGTATAATACCACATCCACTCACCCTGCGGTACAGTGA[G>C]GTGAGCAGAGGGTGTGTCCGCGCAAAGCTCCACTCTCTCTGCATCTGAACAGCATCAGAT-3'
Protein context (NP_000126.2, residues 346-366): WSFARTHPLL[Thr356=]SLYRRLFVML

ClinVar aggregate classification (germline): Likely benign. Review status: criteria provided, multiple submitters, no conflicts (2 of 4 stars). 3 submissions from 3 submitters: Likely benign (2). 1 of the submissions does not count toward it. Last evaluated 2025-10-02.

Conditions:
FANCA-related disorder. Also called: FANCA-related condition.
Inborn genetic diseases. Identifiers: MedGen C0950123, MeSH D030342.
Fanconi anemia (FA). Also called: Fanconi's anemia. Identifiers: Orphanet 84, MedGen C0015625, MeSH D005199, MONDO:0019391.

Allele frequency attached by ClinVar (database versions not stated): gnomAD 0.00001.
gnomAD v4.1: 12 of 1,613,290 alleles (0.00074%); highest among the groups gnomAD compares: Non-Finnish European, 0.001%; no homozygotes.

Submissions (3):

Labcorp Genetics (formerly Invitae), Labcorp
Classification: Likely benign for Fanconi anemia. Last evaluated: 2025-10-02. Review status: criteria provided, single submitter. Criteria: Invitae Variant Classification Sherloc (09022015). Collection method: clinical testing. Allele origin: germline.

Ambry Genetics
Classification: Likely benign for Inborn genetic diseases. Last evaluated: 2024-12-02. Review status: criteria provided, single submitter. Criteria: Ambry Variant Classification Scheme 2023. Collection method: clinical testing. Allele origin: germline.

PreventionGenetics, part of Exact Sciences
Classification: Likely benign for FANCA-related condition. Last evaluated: 2019-07-15. Review status: no assertion criteria provided. Collection method: clinical testing. Allele origin: germline. Not counted in ClinVar's aggregate classification.
Comment: This variant is classified as likely benign based on ACMG/AMP sequence variant interpretation guidelines (Richards et al. 2015 PMID: 25741868, with internal and published modifications).